The following is an entry in ClinVar:

NM_000355.4(TCN2):c.427+3G>A

Gene: TCN2 (transcobalamin 2; plus strand). Cytogenetic location: 22q12.2.
Variant type: single nucleotide variant.
Coding change: c.427+3G>A on transcript NM_000355.4 (MANE Select); 3 bases into the intron after coding-DNA position 427, G replaced by A.
Molecular consequence: intron variant.
Genome position (GRCh38, 1-based): chr22:30,613,045, G>A. VCF-style: chr22-30613045-G-A. GRCh37 (hg19) VCF-style: chr22-31009032-G-A.
Other names: c.346+84G>A (NM_001184726.2).
Identifiers: ClinVar variation 1994291 (VCV001994291.1), dbSNP rs2517903862, ClinGen allele CA2580099580.

ClinVar aggregate classification (germline): Uncertain significance (1 of 4 stars; one submission).

Conditions:
Transcobalamin II deficiency (TCN2D). Also called: TC II DEFICIENCY; TCN2 DEFICIENCY; Transcolabamin II deficiency. Identifiers: Orphanet 859, MedGen C0342701, MONDO:0010149, OMIM 275350.

Submission:

Labcorp Genetics (formerly Invitae), Labcorp
Classification: Uncertain significance for Transcobalamin II deficiency. Last evaluated: 2022-08-23. Review status: criteria provided, single submitter. Criteria: Invitae Variant Classification Sherloc (09022015). Collection method: clinical testing. Allele origin: germline.
Comment: This sequence change falls in intron 3 of the TCN2 gene. It does not directly change the encoded amino acid sequence of the TCN2 protein. It affects a nucleotide within the consensus splice site. This variant is not present in population databases (gnomAD no frequency). This variant has not been reported in the literature in individuals affected with TCN2-related conditions. Variants that disrupt the consensus splice site are a relatively common cause of aberrant splicing (PMID: 17576681, 9536098). Algorithms developed to predict the effect of sequence changes on RNA splicing suggest that this variant may disrupt the consensus splice site. In summary, the available evidence is currently insufficient to determine the role of this variant in disease. Therefore, it has been classified as a Variant of Uncertain Significance.

Literature cited by the submitters: PubMed 17576681; PubMed 9536098.